The following is an entry in ClinVar:

ClinVar aggregate classification (germline): Uncertain significance (1 of 4 stars; one submission).

Conditions:
Primary open angle glaucoma (POAG). Also called: OPTN-related open angle glaucoma. Identifiers: MedGen C0339573, MONDO:0100553, OMIM 137760.
Amyotrophic lateral sclerosis type 12 (ALS12). Also called: AMYOTROPHIC LATERAL SCLEROSIS 12 WITH OR WITHOUT FRONTOTEMPORAL DEMENTIA. Identifiers: Orphanet 803, MedGen C3150692, MONDO:0013264, OMIM 613435.
Glaucoma 1, open angle, E. Identifiers: MedGen C1842026, MONDO:0007665.

gnomAD v4.1: 7 of 1,600,912 alleles (0.00044%); highest among the groups gnomAD compares: African/African-American, 0.0013%; no homozygotes.

Submission:

Labcorp Genetics (formerly Invitae), Labcorp
Classification: Uncertain significance for Primary open angle glaucoma; Glaucoma 1, open angle, E; Amyotrophic lateral sclerosis type 12. Last evaluated: 2025-09-23. Review status: criteria provided, single submitter. Criteria: Invitae Variant Classification Sherloc (09022015). Collection method: clinical testing. Allele origin: germline.
Comment: This sequence change affects codon 383 of the OPTN mRNA. It is a 'silent' change, meaning that it does not change the encoded amino acid sequence of the OPTN protein. It affects a nucleotide within the consensus splice site. This variant is present in population databases (no rsID available, gnomAD 0.004%). This variant has not been reported in the literature in individuals affected with OPTN-related conditions. Algorithms developed to predict the effect of sequence changes on RNA splicing suggest that this variant is not likely to affect RNA splicing. In summary, the available evidence is currently insufficient to determine the role of this variant in disease. Therefore, it has been classified as a Variant of Uncertain Significance.

NM_001008212.2(OPTN):c.1149G>A (p.Lys383=)

Gene: OPTN (optineurin; plus strand). Cytogenetic location: 10p13.
Variant type: single nucleotide variant.
Coding change: c.1149G>A on transcript NM_001008212.2 (MANE Select); coding-DNA position 1149, G replaced by A.
Protein change: p.Lys383=; no amino-acid change (lysine 383 retained).
Molecular consequence: synonymous variant.
Genome position (GRCh38, 1-based): chr10:13,125,946, G>A. VCF-style: chr10-13125946-G-A. GRCh37 (hg19) VCF-style: chr10-13167946-G-A.
Other names: c.1149G>A, p.Lys383= (NM_001008211.1, NM_001008213.1, NM_021980.4).
Identifiers: ClinVar variation 4787690 (VCV004787690.1).